The following is an entry in ClinVar:

NM_001354604.2(MITF):c.643_644dup (p.Ser216fs)

Gene: MITF (melanocyte inducing transcription factor; plus strand). Cytogenetic location: 3p13.
Variant type: Microsatellite.
Coding change: c.643_644dup on transcript NM_001354604.2 (MANE Select); coding-DNA positions 643 to 644, 2 bases duplicated (CA; older notation c.643_644dupCA).
Protein change: p.Ser216fs; shifts the reading frame from serine 216.
Molecular consequence: frameshift variant.
Genome position (GRCh38, 1-based): chr3:69,939,158-69,939,159, CA duplicated; duplicating any 2 consecutive bases within chr3:69,939,153-69,939,159 gives the same sequence; the c. name uses the placement nearest the transcript's 3' end. VCF-style (leftmost placement, unchanged base first): chr3-69939152-A-AAC. GRCh37 (hg19) VCF-style: chr3-69988303-A-AAC.
Other names: c.322_323dup, p.Ser109fs (NM_000248.4, NM_198158.3); c.487_488dup, p.Ser164fs (NM_001184967.2, NM_001354608.2); c.640_641dup, p.Ser215fs (NM_001354605.2, NM_001354606.2, NM_006722.3); c.592_593dup, p.Ser199fs (NM_001354607.2); c.643_644dup, p.Ser216fs (NM_198159.3); c.595_596dup, p.Ser200fs (NM_198177.3); c.154_155dup, p.Ser53fs (NM_198178.3); short protein forms S216fs, S53fs, S109fs, S200fs, S215fs, S164fs, S199fs.
Identifiers: ClinVar variation 2024980 (VCV002024980.4), dbSNP rs2471591500, ClinGen allele CA2580616495.

ClinVar aggregate classification (germline): Pathogenic (1 of 4 stars; one submission).

Conditions:
Waardenburg syndrome type 2A (WS2A). Also called: WAARDENBURG SYNDROME WITHOUT DYSTOPIA CANTHORUM. Identifiers: Orphanet 3440, MedGen C1860339, MONDO:0008671, OMIM 193510.
Melanoma, cutaneous malignant, susceptibility to, 8. Also called: Cutaneous malignant melanoma 8; MELANOMA AND RENAL CELL CARCINOMA, SUSCEPTIBILITY TO. Identifiers: Orphanet 293822, MedGen C3152204, MONDO:0013759, OMIM 614456.
Tietz syndrome (TADS). Also called: ALBINISM-DEAFNESS OF TIETZ; TIETZ ALBINISM-DEAFNESS SYNDROME; HYPOPIGMENTATION/DEAFNESS OF TIETZ. Identifiers: Orphanet 42665, MedGen C0391816, MONDO:0007077, OMIM 103500.

Submission:

Labcorp Genetics (formerly Invitae), Labcorp
Classification: Pathogenic for Melanoma, cutaneous malignant, susceptibility to, 8; Waardenburg syndrome type 2A; Tietz syndrome. Last evaluated: 2022-08-31. Review status: criteria provided, single submitter. Criteria: Invitae Variant Classification Sherloc (09022015). Collection method: clinical testing. Allele origin: germline.
Comment: For these reasons, this variant has been classified as Pathogenic. This sequence change creates a premature translational stop signal (p.Ser109Ilefs*12) in the MITF gene. It is expected to result in an absent or disrupted protein product. Loss-of-function variants in MITF are known to be pathogenic (PMID: 8659547, 20127975). This variant is not present in population databases (gnomAD no frequency). This variant has not been reported in the literature in individuals affected with MITF-related conditions.

Literature cited by the submitters: PubMed 8659547; PubMed 20127975.